The following is an entry in ClinVar:

NM_001042492.3(NF1):c.7540A>G (p.Thr2514Ala)

Gene: NF1 (neurofibromin 1; plus strand). Cytogenetic location: 17q11.2.
Variant type: single nucleotide variant.
Coding change: c.7540A>G on transcript NM_001042492.3 (MANE Select); coding-DNA position 7540, A replaced by G.
Protein change: p.Thr2514Ala; replaces threonine 2514 with alanine.
Molecular consequence: missense variant.
Genome position (GRCh38, 1-based): chr17:31,352,339, A>G. VCF-style: chr17-31352339-A-G. GRCh37 (hg19) VCF-style: chr17-29679357-A-G.
Other names: c.7477A>G, p.Thr2493Ala (NM_000267.4); short protein forms T2493A, T2514A.
Identifiers: ClinVar variation 1004756 (VCV001004756.6), dbSNP rs1597862168, ClinGen allele CA399017629.

ClinVar aggregate classification (germline): Uncertain significance. Review status: criteria provided, multiple submitters, no conflicts (2 of 4 stars). 2 submissions from 2 submitters: Uncertain significance (2). Last evaluated 2025-10-02.

Conditions:
Neurofibromatosis, type 1 (NF1). Also called: NEUROFIBROMATOSIS, TYPE I, SOMATIC; Peripheral type neurofibromatosis; VON RECKLINGHAUSEN DISEASE; Neurofibromatosis, type I. Identifiers: Orphanet 636, MedGen C0027831, MONDO:0018975, OMIM 162200. Disease mechanism: loss of function.
Hereditary cancer-predisposing syndrome. Also called: Hereditary neoplastic syndrome; Neoplastic Syndromes, Hereditary; Tumor predisposition; Hereditary Cancer Syndrome. Identifiers: Orphanet 140162, MedGen C0027672, MeSH D009386, MONDO:0015356.
Cardiovascular phenotype. Identifiers: MedGen CN230736.

Allele frequency attached by ClinVar (database versions not stated): gnomAD exomes below 0.00001.
gnomAD v4.1: 1 of 1,614,140 alleles (0.000062%); highest among the groups gnomAD compares: Non-Finnish European, 0.000085%; no homozygotes.

Submissions (2):

Labcorp Genetics (formerly Invitae), Labcorp
Classification: Uncertain significance for Neurofibromatosis, type 1. Last evaluated: 2025-10-02. Review status: criteria provided, single submitter. Criteria: Invitae Variant Classification Sherloc (09022015). Collection method: clinical testing. Allele origin: germline.
Comment: This sequence change replaces threonine, which is neutral and polar, with alanine, which is neutral and non-polar, at codon 2493 of the NF1 protein (p.Thr2493Ala). This variant is not present in population databases (gnomAD no frequency). This variant has not been reported in the literature in individuals affected with NF1-related conditions. ClinVar contains an entry for this variant (Variation ID: 1004756). Invitae Evidence Modeling of protein sequence and biophysical properties (such as structural, functional, and spatial information, amino acid conservation, physicochemical variation, residue mobility, and thermodynamic stability) indicates that this missense variant is not expected to disrupt NF1 protein function with a negative predictive value of 95%. In summary, the available evidence is currently insufficient to determine the role of this variant in disease. Therefore, it has been classified as a Variant of Uncertain Significance.

Ambry Genetics
Classification: Uncertain significance for Cardiovascular phenotype; Hereditary cancer-predisposing syndrome. Last evaluated: 2025-08-25. Review status: criteria provided, single submitter. Criteria: Ambry Variant Classification Scheme 2023. Collection method: clinical testing. Allele origin: germline.
Comment: The p.T2493A variant (also known as c.7477A>G), located in coding exon 50 of the NF1 gene, results from an A to G substitution at nucleotide position 7477. The threonine at codon 2493 is replaced by alanine, an amino acid with similar properties. This amino acid position is conserved. In addition, this alteration is predicted to be tolerated by in silico analysis. Based on the available evidence, the clinical significance of this variant remains unclear.